The following is an entry in ClinVar:

NM_025243.4(SLC19A3):c.1056C>G (p.Phe352Leu)

Gene: SLC19A3 (solute carrier family 19 member 3; minus strand). Cytogenetic location: 2q36.3.
Variant type: single nucleotide variant.
Coding change: c.1056C>G on transcript NM_025243.4 (MANE Select); coding-DNA position 1056, C replaced by G.
Protein change: p.Phe352Leu; replaces phenylalanine 352 with leucine.
Molecular consequence: missense variant.
Genome position (GRCh38, 1-based): chr2:227,696,005, G>C on the plus strand (C>G on the coding strand, the complement: SLC19A3 is on the minus strand). VCF-style: chr2-227696005-G-C. GRCh37 (hg19) VCF-style: chr2-228560721-G-C.
Other names: p.Phe352Leu; short protein forms F352L.
Identifiers: ClinVar variation 501380 (VCV000501380.21), dbSNP rs149806390, ClinGen allele CA2149163.

ClinVar aggregate classification (germline): Conflicting classifications of pathogenicity. Review status: criteria provided, conflicting classifications (1 of 4 stars). 6 submissions from 6 submitters: Uncertain significance (3); Likely benign (3). Last evaluated 2026-02-03.

Conditions:
SLC19A3-related disorder. Also called: SLC19A3-related condition.
Biotin-responsive basal ganglia disease (BTBGD). Also called: Thiamine metabolism dysfunction syndrome type 2; THIAMINE METABOLISM DYSFUNCTION SYNDROME 2 (BIOTIN- AND THIAMINE-RESPONSIVE TYPE); Thiamine Transporter-2 Deficiency; Thiamine metabolism dysfunction syndrome 2 (biotin- or thiamine-responsive encephalopathy type 2); thiamine-responsive encephalopathy. Identifiers: Orphanet 199348, Orphanet 65284, MedGen C1843807, MONDO:0011841, OMIM 607483.

Allele frequency attached by ClinVar (database versions not stated): gnomAD exomes 0.00007 and 0.00019; ExAC 0.00029; TOPMed 0.00077; 1000 Genomes Project 0.00080; gnomAD 0.00088 and 0.00097; ESP Exome Variant Server 0.00092; 1000 Genomes Project 30x 0.00094.
gnomAD v4.1: 239 of 1,614,116 alleles (0.015%); highest among the groups gnomAD compares: African/African-American, 0.29%; no homozygotes.

Submissions (6):

Labcorp Genetics (formerly Invitae), Labcorp
Classification: Likely benign for Biotin-responsive basal ganglia disease. Last evaluated: 2026-02-03. Review status: criteria provided, single submitter. Criteria: Invitae Variant Classification Sherloc (09022015). Collection method: clinical testing. Allele origin: germline.

GeneDx
Classification: Uncertain significance. Last evaluated: 2026-01-22. Review status: criteria provided, single submitter. Criteria: GeneDx Variant Classification Process June 2021. Collection method: clinical testing. Allele origin: germline.
Comment: In silico analysis supports that this missense variant has a deleterious effect on protein structure/function; Has not been previously published as pathogenic or benign to our knowledge

PreventionGenetics, part of Exact Sciences
Classification: Likely benign for SLC19A3-related condition. Last evaluated: 2025-02-11. Review status: criteria provided, single submitter. Criteria: ACMG Guidelines, 2015. Collection method: clinical testing. Allele origin: germline.
Comment: This variant is classified as likely benign based on ACMG/AMP sequence variant interpretation guidelines (Richards et al. 2015 PMID: 25741868, with internal and published modifications).

Mayo Clinic Laboratories, Mayo Clinic
Classification: Uncertain significance. Last evaluated: 2022-08-04. Review status: criteria provided, single submitter. Criteria: ACMG Guidelines, 2015. Collection method: clinical testing. Allele origin: germline. Observed: 1 variant allele.

Athena Diagnostics
Classification: Likely benign. Last evaluated: 2018-11-29. Review status: criteria provided, single submitter. Criteria: Athena Diagnostics Criteria. Collection method: clinical testing. Allele origin: germline.

Eurofins Ntd Llc (ga)
Classification: Uncertain significance. Last evaluated: 2017-05-03. Review status: criteria provided, single submitter. Criteria: EGL Classification Definitions 2015. Collection method: clinical testing. Allele origin: germline. Observed: 1 variant allele, 1 heterozygote.